The following is an entry in ClinVar:

NM_015135.3(NUP205):c.3131C>T (p.Thr1044Met)

Gene: NUP205 (nucleoporin 205; plus strand). Cytogenetic location: 7q33.
Variant type: single nucleotide variant.
Coding change: c.3131C>T on transcript NM_015135.3 (MANE Select); coding-DNA position 3131, C replaced by T.
Protein change: p.Thr1044Met; replaces threonine 1044 with methionine.
Molecular consequence: missense variant.
Genome position (GRCh38, 1-based): chr7:135,607,307, C>T. VCF-style: chr7-135607307-C-T. GRCh37 (hg19) VCF-style: chr7-135292055-C-T.
Other names: c.2057C>T, p.Thr686Met (NM_001329434.2); short protein forms T1044M, T686M.
Identifiers: ClinVar variation 1417904 (VCV001417904.5), dbSNP rs540996642, ClinGen allele CA4498524.

ClinVar aggregate classification (germline): Uncertain significance (1 of 4 stars; one submission).

Allele frequency attached by ClinVar (database versions not stated): gnomAD 0.00001; TOPMed 0.00003; ExAC 0.00007.
gnomAD v4.1: 31 of 1,613,904 alleles (0.0019%); highest among the groups gnomAD compares: East Asian, 0.04%; 1 homozygote.

Submission:

Labcorp Genetics (formerly Invitae), Labcorp
Classification: Uncertain significance. Last evaluated: 2022-08-31. Review status: criteria provided, single submitter. Criteria: Invitae Variant Classification Sherloc (09022015). Collection method: clinical testing. Allele origin: germline.
Comment: The frequency data for this variant in the population databases is considered unreliable, as metrics indicate poor data quality at this position in the gnomAD database. This sequence change replaces threonine, which is neutral and polar, with methionine, which is neutral and non-polar, at codon 1044 of the NUP205 protein (p.Thr1044Met). This missense change has been observed in individual(s) with situs inversus totalis (PMID: 31306055). ClinVar contains an entry for this variant (Variation ID: 1417904). Algorithms developed to predict the effect of missense changes on protein structure and function are either unavailable or do not agree on the potential impact of this missense change (SIFT: "Tolerated"; PolyPhen-2: "Possibly Damaging"; Align-GVGD: "Class C0"). Experimental studies have shown that this missense change affects NUP205 function (PMID: 31306055). In summary, the available evidence is currently insufficient to determine the role of this variant in disease. Therefore, it has been classified as a Variant of Uncertain Significance.

Literature cited by the submitters: PubMed 31306055.